The following is an entry in ClinVar:

NM_002691.4(POLD1):c.1243-3C>T

Gene: POLD1 (DNA polymerase delta 1, catalytic subunit; plus strand). Cytogenetic location: 19q13.33.
Variant type: single nucleotide variant.
Coding change: c.1243-3C>T on transcript NM_002691.4 (MANE Select); 3 bases into the intron before coding-DNA position 1243, C replaced by T.
Molecular consequence: intron variant.
Genome position (GRCh38, 1-based): chr19:50,406,179, C>T. VCF-style: chr19-50406179-C-T. GRCh37 (hg19) VCF-style: chr19-50909436-C-T.
Other names: c.1243-3C>T (LRG_785t1, LRG_785t2, NM_001256849.1 and 1 more transcripts).
Identifiers: ClinVar variation 469187 (VCV000469187.8), dbSNP rs1555791075, ClinGen allele CA658658836.

ClinVar aggregate classification (germline): Uncertain significance (1 of 4 stars; one submission).

Conditions:
POLD1-related polyposis and colorectal cancer syndrome (CRCS10). Also called: Colorectal cancer 10; COLORECTAL CANCER, SUSCEPTIBILITY TO, ON CHROMOSOME 19q; Colorectal cancer, susceptibility to, 10. Identifiers: Orphanet 220460, MedGen C2675481, MONDO:0012953, OMIM 612591.

Submission:

Labcorp Genetics (formerly Invitae), Labcorp
Classification: Uncertain significance for POLD1-related polyposis and colorectal cancer syndrome. Last evaluated: 2017-07-03. Review status: criteria provided, single submitter. Criteria: Invitae Variant Classification Sherloc (09022015). Collection method: clinical testing. Allele origin: germline.
Comment: In summary, the available evidence is currently insufficient to determine the role of this variant in disease. Therefore, it has been classified as a Variant of Uncertain Significance. Nucleotide substitutions within the consensus splice site are relatively common causes of aberrant splicing (PMID: 17576681, 9536098). Algorithms developed to predict the effect of sequence changes on RNA splicing suggest that this variant is not likely to affect RNA splicing, but this prediction has not been confirmed by published transcriptional studies. This variant has not been reported in the literature in individuals with POLD1-related disease. This variant is not present in population databases (ExAC no frequency). This sequence change falls in intron 10 of the POLD1 gene. It does not directly change the encoded amino acid sequence of the POLD1 protein, but it affects a nucleotide within the consensus splice site of the intron.

Literature cited by the submitters: PubMed 17576681; PubMed 9536098.